The following is an entry in ClinVar:

ClinVar aggregate classification (germline): Likely benign (1 of 4 stars; one submission).

Allele frequency attached by ClinVar (database versions not stated): ExAC 0.00002; gnomAD 0.00002; TOPMed 0.00003.
gnomAD v4.1: 27 of 1,614,032 alleles (0.0017%); highest among the groups gnomAD compares: South Asian, 0.0044%; no homozygotes.

Submission:

CeGaT Center for Human Genetics Tuebingen
Classification: Likely benign. Last evaluated: 2022-04-01. Review status: criteria provided, single submitter. Criteria: CeGaT Center For Human Genetics Tuebingen Variant Classification Criteria Version 2. Collection method: clinical testing. Allele origin: germline. Affected: yes. Observed: 1 variant allele.
Comment: NDST1: BP4, BP7

NM_001543.5(NDST1):c.1500C>T (p.Gly500=)

Gene: NDST1 (N-deacetylase and N-sulfotransferase 1; plus strand). Cytogenetic location: 5q33.1.
Variant type: single nucleotide variant.
Coding change: c.1500C>T on transcript NM_001543.5 (MANE Select); coding-DNA position 1500, C replaced by T.
Protein change: p.Gly500=; no amino-acid change (glycine 500 retained).
Molecular consequence: synonymous variant.
Genome position (GRCh38, 1-based): chr5:150,539,290, C>T. VCF-style: chr5-150539290-C-T. GRCh37 (hg19) VCF-style: chr5-149918852-C-T.
Other names: c.1500C>T, p.Gly500= (NM_001301063.2).
Identifiers: ClinVar variation 2655935 (VCV002655935.24), dbSNP rs776242375, ClinGen allele CA3512685.